The following is an entry in ClinVar:

NM_001084.5(PLOD3):c.988C>T (p.Leu330Phe)

Gene: PLOD3 (procollagen-lysine,2-oxoglutarate 5-dioxygenase 3; minus strand). Cytogenetic location: 7q22.1.
Variant type: single nucleotide variant.
Coding change: c.988C>T on transcript NM_001084.5 (MANE Select); coding-DNA position 988, C replaced by T.
Protein change: p.Leu330Phe; replaces leucine 330 with phenylalanine.
Molecular consequence: missense variant.
Genome position (GRCh38, 1-based): chr7:101,212,547, G>A on the plus strand (C>T on the coding strand, the complement: PLOD3 is on the minus strand). VCF-style: chr7-101212547-G-A. GRCh37 (hg19) VCF-style: chr7-100855828-G-A.
Other names: short protein forms L330F.
Identifiers: ClinVar variation 4139877 (VCV004139877.2).

ClinVar aggregate classification (germline): Uncertain significance. Review status: criteria provided, multiple submitters, no conflicts (2 of 4 stars). 2 submissions from 2 submitters: Uncertain significance (2). Last evaluated 2025-08-25.

Conditions:
Inborn genetic diseases. Identifiers: MedGen C0950123, MeSH D030342.

Submissions (2):

Ambry Genetics
Classification: Uncertain significance for Inborn genetic diseases. Last evaluated: 2025-08-25. Review status: criteria provided, single submitter. Criteria: Ambry Variant Classification Scheme 2023. Collection method: clinical testing. Allele origin: germline.

Labcorp Genetics (formerly Invitae), Labcorp
Classification: Uncertain significance. Last evaluated: 2025-05-07. Review status: criteria provided, single submitter. Criteria: Invitae Variant Classification Sherloc (09022015). Collection method: clinical testing. Allele origin: germline.
Comment: This sequence change replaces leucine, which is neutral and non-polar, with phenylalanine, which is neutral and non-polar, at codon 330 of the PLOD3 protein (p.Leu330Phe). This variant is present in population databases (rs143574903, gnomAD 0.006%). This variant has not been reported in the literature in individuals affected with PLOD3-related conditions. An algorithm developed to predict the effect of missense changes on protein structure and function (PolyPhen-2) suggests that this variant is likely to be tolerated. In summary, the available evidence is currently insufficient to determine the role of this variant in disease. Therefore, it has been classified as a Variant of Uncertain Significance.